The following is an entry in ClinVar:

ClinVar aggregate classification (germline): Uncertain significance (1 of 4 stars; one submission).

Conditions:
FBXO7-related disorder. Also called: FBXO7-related condition.

gnomAD v4.1: 9 of 1,614,154 alleles (0.00056%); highest among the groups gnomAD compares: East Asian, 0.018%; no homozygotes.

Submission:

PreventionGenetics, part of Exact Sciences
Classification: Uncertain significance for FBXO7-related condition. Last evaluated: 2023-04-28. Review status: criteria provided, single submitter. Criteria: ACMG Guidelines, 2015. Collection method: clinical testing. Allele origin: germline.
Comment: The FBXO7 c.131C>A variant is predicted to result in the amino acid substitution p.Thr44Asn. This variant has been reported in an individual with Parkinson disease (Kim et al. 2015. PubMed ID: 25634434). This variant has not been reported in a large population database, indicating this variant is rare. At this time, the clinical significance of this variant is uncertain due to the absence of conclusive functional and genetic evidence.

NM_012179.4(FBXO7):c.131C>A (p.Thr44Asn)

Gene: FBXO7 (F-box protein 7; plus strand). Cytogenetic location: 22q12.3.
Variant type: single nucleotide variant.
Coding change: c.131C>A on transcript NM_012179.4 (MANE Select); coding-DNA position 131, C replaced by A.
Protein change: p.Thr44Asn; replaces threonine 44 with asparagine.
Molecular consequence: missense variant. On other transcripts: 5 prime UTR variant (1), intron variant (1).
Genome position (GRCh38, 1-based): chr22:32,478,989, C>A. VCF-style: chr22-32478989-C-A. GRCh37 (hg19) VCF-style: chr22-32874976-C-A.
Other names: c.-212C>A (NM_001257990.2); c.38-144C>A (NM_001033024.2); short protein forms T44N.
Identifiers: ClinVar variation 2635086 (VCV002635086.1), dbSNP rs762999184, ClinGen allele CA411330141.